The following is an entry in ClinVar:

ClinVar aggregate classification (germline): Likely benign (1 of 4 stars; one submission).

Allele frequency attached by ClinVar (database versions not stated): ExAC 0.00003; gnomAD 0.00027; 1000 Genomes Project 30x 0.00104.

Submission:

CeGaT Center for Human Genetics Tuebingen
Classification: Likely benign. Last evaluated: 2023-03-01. Review status: criteria provided, single submitter. Criteria: CeGaT Center For Human Genetics Tuebingen Variant Classification Criteria Version 2. Collection method: clinical testing. Allele origin: germline. Affected: yes. Observed: 1 variant allele.
Comment: SPANXC: BS2

NM_022661.4(SPANXC):c.264G>A (p.Met88Ile)

Gene: SPANXC (SPANX family member C; minus strand). Cytogenetic location: Xq27.2.
Variant type: single nucleotide variant.
Coding change: c.264G>A on transcript NM_022661.4 (MANE Select); coding-DNA position 264, G replaced by A.
Protein change: p.Met88Ile; replaces methionine 88 with isoleucine.
Molecular consequence: missense variant.
Genome position (GRCh38, 1-based): chrX:141,241,547, C>T on the plus strand (G>A on the coding strand, the complement: SPANXC is on the minus strand). VCF-style: chrX-141241547-C-T. GRCh37 (hg19) VCF-style: chrX-140335680-C-T.
Other names: short protein forms M88I.
Identifiers: ClinVar variation 2661546 (VCV002661546.24), dbSNP rs199904329, ClinGen allele CA10531993.